The following is an entry in ClinVar:

NM_003922.4(HERC1):c.8624C>T (p.Ala2875Val)

Gene: HERC1 (HECT and RLD domain containing E3 ubiquitin protein ligase family member 1; minus strand). Cytogenetic location: 15q22.31.
Variant type: single nucleotide variant.
Coding change: c.8624C>T on transcript NM_003922.4 (MANE Select); coding-DNA position 8624, C replaced by T.
Protein change: p.Ala2875Val; replaces alanine 2875 with valine.
Molecular consequence: missense variant.
Genome position (GRCh38, 1-based): chr15:63,664,526, G>A on the plus strand (C>T on the coding strand, the complement: HERC1 is on the minus strand). VCF-style: chr15-63664526-G-A. GRCh37 (hg19) VCF-style: chr15-63956725-G-A.
Other names: c.8624C>T (NM_003922.3); short protein forms A2875V.
Identifiers: ClinVar variation 2063657 (VCV002063657.3), dbSNP rs767027749, ClinGen allele CA7604890.

ClinVar aggregate classification (germline): Uncertain significance. Review status: criteria provided, multiple submitters, no conflicts (2 of 4 stars). 2 submissions from 2 submitters: Uncertain significance (2). Last evaluated 2025-08-30.

Conditions:
Inborn genetic diseases. Identifiers: MedGen C0950123, MeSH D030342.

Allele frequency attached by ClinVar (database versions not stated): ExAC 0.00001; gnomAD exomes 0.00004; gnomAD 0.00005; TOPMed 0.00006.
gnomAD v4.1: 66 of 1,613,408 alleles (0.0041%); highest among the groups gnomAD compares: Non-Finnish European, 0.0048%; no homozygotes.

Submissions (2):

Ambry Genetics
Classification: Uncertain significance for Inborn genetic diseases. Last evaluated: 2025-08-30. Review status: criteria provided, single submitter. Criteria: Ambry Variant Classification Scheme 2023. Collection method: clinical testing. Allele origin: germline.

Labcorp Genetics (formerly Invitae), Labcorp
Classification: Uncertain significance. Last evaluated: 2025-07-06. Review status: criteria provided, single submitter. Criteria: Invitae Variant Classification Sherloc (09022015). Collection method: clinical testing. Allele origin: germline.
Comment: This sequence change replaces alanine, which is neutral and non-polar, with valine, which is neutral and non-polar, at codon 2875 of the HERC1 protein (p.Ala2875Val). This variant is present in population databases (rs767027749, gnomAD 0.007%). This variant has not been reported in the literature in individuals affected with HERC1-related conditions. ClinVar contains an entry for this variant (Variation ID: 2063657). Invitae Evidence Modeling of protein sequence and biophysical properties (such as structural, functional, and spatial information, amino acid conservation, physicochemical variation, residue mobility, and thermodynamic stability) indicates that this missense variant is expected to disrupt HERC1 protein function with a positive predictive value of 80%. In summary, the available evidence is currently insufficient to determine the role of this variant in disease. Therefore, it has been classified as a Variant of Uncertain Significance.